The following is an entry in ClinVar:

NM_031885.5(BBS2):c.68G>C (p.Arg23Pro)

Gene: BBS2 (Bardet-Biedl syndrome 2; minus strand). Cytogenetic location: 16q13.
Variant type: single nucleotide variant.
Coding change: c.68G>C on transcript NM_031885.5 (MANE Select); coding-DNA position 68, G replaced by C.
Protein change: p.Arg23Pro; replaces arginine 23 with proline.
Molecular consequence: missense variant. On other transcripts: non-coding transcript variant (5).
Genome position (GRCh38, 1-based): chr16:56,519,795, C>G on the plus strand (G>C on the coding strand, the complement: BBS2 is on the minus strand). VCF-style: chr16-56519795-C-G. GRCh37 (hg19) VCF-style: chr16-56553707-C-G.
Other names: c.68G>C, p.Arg23Pro (NM_001377456.1); short protein forms R23P.
Identifiers: ClinVar variation 950150 (VCV000950150.2), dbSNP rs1162842645, ClinGen allele CA395988105.

ClinVar aggregate classification (germline): Uncertain significance. Review status: criteria provided, multiple submitters, no conflicts (2 of 4 stars). 2 submissions from 2 submitters: Uncertain significance (2). Last evaluated 2025-06-27.

Conditions:
Bardet-Biedl syndrome (BBS). Identifiers: Orphanet 110, MedGen C0752166, MONDO:0015229.

Submissions (2):

Women's Health and Genetics/Laboratory Corporation of America, LabCorp
Classification: Uncertain significance. Last evaluated: 2025-06-27. Review status: criteria provided, single submitter. Criteria: LabCorp Variant Classification Summary - May 2015. Collection method: clinical testing. Allele origin: germline.
Comment: Variant summary: BBS2 c.68G>C (p.Arg23Pro) results in a non-conservative amino acid change in the encoded protein sequence. Algorithms developed to predict the effect of missense changes on protein structure and function are either unavailable or do not agree on the potential impact of this missense change. The variant was absent in 249188 control chromosomes. c.68G>C has been observed in a homozygous individual affected with clinical features of Bardet-Biedl Syndrome (Karmous-Benailly_2005). These data indicate that the variant may be associated with disease. To our knowledge, no experimental evidence demonstrating an impact on protein function has been reported. The following publication have been ascertained in the context of this evaluation (PMID: 15666242). ClinVar contains an entry for this variant (Variation ID: 950150). Based on the evidence outlined above, the variant was classified as VUS-possibly pathogenic.

Labcorp Genetics (formerly Invitae), Labcorp
Classification: Uncertain significance for Bardet-Biedl syndrome. Last evaluated: 2019-06-25. Review status: criteria provided, single submitter. Criteria: Invitae Variant Classification Sherloc (09022015). Collection method: clinical testing. Allele origin: germline.
Comment: This sequence change replaces arginine with proline at codon 23 of the BBS2 protein (p.Arg23Pro). The arginine residue is moderately conserved and there is a moderate physicochemical difference between arginine and proline. This variant is not present in population databases (ExAC no frequency). This variant has been observed to be homozygous in a fetus affected with Meckel-like syndrome (PMID: 15666242). Algorithms developed to predict the effect of missense changes on protein structure and function are either unavailable or do not agree on the potential impact of this missense change (SIFT: "Tolerated"; PolyPhen-2: "Possibly Damaging"; Align-GVGD: "Class C0"). In summary, the available evidence is currently insufficient to determine the role of this variant in disease. Therefore, it has been classified as a Variant of Uncertain Significance.

Literature cited by the submitters: PubMed 15666242 (cited by Women's Health and Genetics/Laboratory Corporation of America, LabCorp and Labcorp Genetics (formerly Invitae), Labcorp).